The following is an entry in ClinVar:

NM_018015.6(RADX):c.1842T>C (p.Thr614=)

Gene: RADX (RPA1 related single stranded DNA binding protein, X-linked; plus strand). Cytogenetic location: Xq22.3.
Variant type: single nucleotide variant.
Coding change: c.1842T>C on transcript NM_018015.6 (MANE Select); coding-DNA position 1842, T replaced by C.
Protein change: p.Thr614=; no amino-acid change (threonine 614 retained).
Molecular consequence: synonymous variant.
Genome position (GRCh38, 1-based): chrX:106,640,659, T>C. VCF-style: chrX-106640659-T-C. GRCh37 (hg19) VCF-style: chrX-105883889-T-C.
Other names: c.1551T>C, p.Thr517= (NM_001184782.2).
Identifiers: ClinVar variation 2661134 (VCV002661134.24), dbSNP rs16985946, ClinGen allele CA10482362.

ClinVar aggregate classification (germline): Likely benign (1 of 4 stars; one submission).

Allele frequency attached by ClinVar (database versions not stated): gnomAD 0.00014; TOPMed 0.00019; gnomAD exomes 0.00022; ExAC 0.00033; 1000 Genomes Project 30x 0.00083; 1000 Genomes Project 0.00106.
gnomAD v4.1: 248 of 1,196,443 alleles (0.021%); highest among the groups gnomAD compares: East Asian, 0.66%; 1 homozygote.

Submission:

CeGaT Center for Human Genetics Tuebingen
Classification: Likely benign. Last evaluated: 2023-01-01. Review status: criteria provided, single submitter. Criteria: CeGaT Center For Human Genetics Tuebingen Variant Classification Criteria Version 2. Collection method: clinical testing. Allele origin: germline. Affected: yes. Observed: 1 variant allele.
Comment: RADX: BP4, BP7, BS2